The following is an entry in ClinVar:

NM_000540.3(RYR1):c.14675T>G (p.Val4892Gly)

Gene: RYR1 (ryanodine receptor 1; plus strand). Cytogenetic location: 19q13.2.
Variant type: single nucleotide variant.
Coding change: c.14675T>G on transcript NM_000540.3 (MANE Select); coding-DNA position 14675, T replaced by G.
Protein change: p.Val4892Gly; replaces valine 4892 with glycine.
Molecular consequence: missense variant.
Genome position (GRCh38, 1-based): chr19:38,584,971, T>G. VCF-style: chr19-38584971-T-G. GRCh37 (hg19) VCF-style: chr19-39075611-T-G.
Other names: c.14660T>G, p.Val4887Gly (NM_001042723.2); short protein forms V4887G, V4892G.
Identifiers: ClinVar variation 4687985 (VCV004687985.2).
Genomic context (GRCh38, chr19:38,584,971, plus strand): 5'-GAATGAGTGACCAGTGTGCTCCCCTCCCTCAGTGTTACCTGTTTCACATGTACGTGGGTG[T>G]CCGGGCTGGCGGAGGCATTGGGGACGAGATCGAGGACCCCGCGGGTGACGAATACGAGCT-3'
Protein context (NP_000531.2, residues 4882-4902): TCYLFHMYVG[Val4892Gly]RAGGGIGDEI

ClinVar aggregate classification (germline): Conflicting classifications of pathogenicity. Review status: criteria provided, conflicting classifications (1 of 4 stars). 2 submissions from 2 submitters: Likely pathogenic (1); Uncertain significance (1). Last evaluated 2025-07-08.

Conditions:
Congenital multicore myopathy with external ophthalmoplegia (CMYO1B). Also called: Minicore myopathy with external ophthalmoplegia; MULTIMINICORE DISEASE WITH EXTERNAL OPHTHALMOPLEGIA; Congenital myopathy 1B, autosomal recessive; Minicore myopathy; MULTICORE MYOPATHY. Identifiers: Orphanet 598, Orphanet 98905, MedGen C1850674, MONDO:0009712, OMIM 255320, HP:0003789.
Malignant hyperthermia, susceptibility to, 1 (MHS1). Also called: Malignant hyperthermia suceptibility 1; Anesthesia related hyperthermia; Malignant hyperpyrexia; Fulminating hyperpyrexia; Pharmacogenic myopathy; RYR1-Related Malignant Hyperthermia Susceptibility. Identifiers: Orphanet 423, MedGen C2930980, MONDO:0007783, OMIM 145600.

Submissions (2):

Color Diagnostics, LLC DBA Color Health
Classification: Uncertain significance for Malignant hyperthermia, susceptibility to, 1. Last evaluated: 2025-07-08. Review status: criteria provided, single submitter. Criteria: ACMG Guidelines, 2015. Collection method: clinical testing. Allele origin: germline.
Comment: This missense variant replaces valine with glycine at codon 4892 of the RYR1 protein. Computational prediction suggests that this variant may have deleterious impact on protein structure and function. To our knowledge, functional studies have not been reported for this variant. This variant has not been reported in individuals affected with RYR1-related disorders in the literature. This variant has not been identified in the general population by the Genome Aggregation Database (gnomAD). The available evidence is insufficient to determine the role of this variant in disease conclusively. Therefore, this variant is classified as a Variant of Uncertain Significance.

Human Genetics Bochum, Ruhr University Bochum
Classification: Likely pathogenic for Congenital multicore myopathy with external ophthalmoplegia. Last evaluated: 2024-08-21. Review status: criteria provided, single submitter. Criteria: ACMG Guidelines, 2015. Collection method: clinical testing. Allele origin: germline. Affected: yes.
Comment: was identified together with RYR1:c.7672G>A; ACMG criteria used to clasify this variant: PP3_STR, PM1, PM2_SUP, PP2